The following is an entry in ClinVar:

NM_001605.3(AARS1):c.1528C>T (p.Arg510Cys)

Gene: AARS1 (alanyl-tRNA synthetase 1; minus strand). Cytogenetic location: 16q22.1.
Variant type: single nucleotide variant.
Coding change: c.1528C>T on transcript NM_001605.3 (MANE Select); coding-DNA position 1528, C replaced by T.
Protein change: p.Arg510Cys; replaces arginine 510 with cysteine.
Molecular consequence: missense variant.
Genome position (GRCh38, 1-based): chr16:70,262,489, G>A on the plus strand (C>T on the coding strand, the complement: AARS1 is on the minus strand). VCF-style: chr16-70262489-G-A. GRCh37 (hg19) VCF-style: chr16-70296392-G-A.
Other names: short protein forms R510C.
Identifiers: ClinVar variation 372287 (VCV000372287.16), dbSNP rs369797061, ClinGen allele CA8140766.
Genomic context (GRCh38, chr16:70,262,489, plus strand): 5'-CCAGCACCACTCCACACTCCTGGCCTGTGGACACCTCTTCCACGAACATCTTCTCCCTGC[G>A]CAGAGCCATCACCGTAGCCACTGTGTTCTCAAATACTGCTCAAGGGAAATGCATAGAAAG-3'
Protein context (NP_001596.2, residues 500-520): ENTVATVMAL[Arg510Cys]REKMFVEEVS

ClinVar aggregate classification (germline): Uncertain significance. Review status: criteria provided, multiple submitters, no conflicts (2 of 4 stars). 5 submissions from 5 submitters: Uncertain significance (5). Last evaluated 2025-12-09.

Conditions:
AARS1-related disorder. Also called: AARS1-related condition.
Inborn genetic diseases. Identifiers: MedGen C0950123, MeSH D030342.
Charcot-Marie-Tooth disease type 2. Also called: Charcot-Marie-Tooth type 2. Identifiers: Orphanet 64746, MedGen C0270914, MONDO:0018993.

Allele frequency attached by ClinVar (database versions not stated): gnomAD exomes 0.00003 and 0.00006; TOPMed 0.00003; gnomAD 0.00004; ESP Exome Variant Server 0.00008; ExAC 0.00009.
gnomAD v4.1: 44 of 1,613,896 alleles (0.0027%); highest among the groups gnomAD compares: East Asian, 0.0067%; no homozygotes.

Submissions (5):

GeneDx
Classification: Uncertain significance. Last evaluated: 2025-12-09. Review status: criteria provided, single submitter. Criteria: GeneDx Variant Classification Process June 2021. Collection method: clinical testing. Allele origin: germline. Affected: yes.
Comment: In silico analysis supports that this missense variant has a deleterious effect on protein structure/function; In silico analysis suggests this variant may impact gene splicing. In the absence of RNA/functional studies, the actual effect of this sequence change is unknown.; Has not been previously published as pathogenic or benign to our knowledge; This variant is associated with the following publications: (PMID: 25817015)

Labcorp Genetics (formerly Invitae), Labcorp
Classification: Uncertain significance for Charcot-Marie-Tooth disease type 2. Last evaluated: 2025-10-08. Review status: criteria provided, single submitter. Criteria: Invitae Variant Classification Sherloc (09022015). Collection method: clinical testing. Allele origin: germline.
Comment: This sequence change replaces arginine, which is basic and polar, with cysteine, which is neutral and slightly polar, at codon 510 of the AARS protein (p.Arg510Cys). This variant is present in population databases (rs369797061, gnomAD 0.02%). This variant has not been reported in the literature in individuals affected with AARS-related conditions. ClinVar contains an entry for this variant (Variation ID: 372287). Invitae Evidence Modeling of protein sequence and biophysical properties (such as structural, functional, and spatial information, amino acid conservation, physicochemical variation, residue mobility, and thermodynamic stability) has been performed for this missense variant. However, the output from this modeling did not meet the statistical confidence thresholds required to predict the impact of this variant on AARS protein function. Algorithms developed to predict the effect of sequence changes on RNA splicing suggest that this variant may create or strengthen a splice site. In summary, the available evidence is currently insufficient to determine the role of this variant in disease. Therefore, it has been classified as a Variant of Uncertain Significance.

PreventionGenetics, part of Exact Sciences
Classification: Uncertain significance for AARS1-related condition. Last evaluated: 2025-08-12. Review status: criteria provided, single submitter. Criteria: ACMG Guidelines, 2015. Collection method: clinical testing. Allele origin: germline.
Comment: The AARS1 c.1528C>T variant is predicted to result in the amino acid substitution p.Arg510Cys. To our knowledge, this variant has not been reported in the literature. This variant is reported in 0.010% of alleles in individuals of European (non-Finnish) descent in gnomAD. At this time, the clinical significance of this variant is uncertain due to the absence of conclusive functional and genetic evidence.

Ambry Genetics
Classification: Uncertain significance for Inborn genetic diseases. Last evaluated: 2024-11-07. Review status: criteria provided, single submitter. Criteria: Ambry Variant Classification Scheme 2023. Collection method: clinical testing. Allele origin: germline.

Blueprint Genetics
Classification: Uncertain significance. Last evaluated: 2024-07-30. Review status: criteria provided, single submitter. Criteria: ACMG Guidelines, 2015. Collection method: clinical testing. Allele origin: germline.